The following is an entry in ClinVar:

ClinVar aggregate classification (germline): Uncertain significance (1 of 4 stars; one submission).

Conditions:
Leigh syndrome (NULS). Also called: Leigh's necrotizing encephalopathy; Leigh's disease; Leigh's syndrome; LEIGH SYNDROME, NUCLEAR; Leigh Syndrome (mtDNA deletion); Leigh Disease. Identifiers: Orphanet 506, MedGen C2931891, MONDO:0009723, OMIM 256000.

Submission:

Wong Mito Lab, Molecular and Human Genetics, Baylor College of Medicine
Classification: Uncertain significance for Leigh syndrome. Last evaluated: 2019-10-17. Review status: criteria provided, single submitter. Criteria: Modified ACMG Guidelines (Unpublished). Collection method: clinical testing. Allele origin: germline.
Comment: The NC_012920.1:m.14091A>T (YP_003024036.1:p.Lys585Asn) variant in MTND5 gene is interpretated to be a Uncertain Significance variant based on the modified ACMG guidelines (unpublished). This variant meets the following evidence codes: PM9, PP4, PP6, PP7

Literature cited by the submitters: PubMed 23463613; PubMed 29987491.

NC_012920.1(MT-ND5):m.14091A>T

Gene: MT-ND5 (mitochondrially encoded NADH dehydrogenase 5; plus strand).
Variant type: single nucleotide variant.
Genome position: chrM-14091-A-T.
Identifiers: ClinVar variation 693665 (VCV000693665.1), dbSNP rs1603224520, ClinGen allele CA414820871.